The following is an entry in ClinVar:

ClinVar aggregate classification (germline): Pathogenic/Likely pathogenic. Review status: criteria provided, multiple submitters, no conflicts (2 of 4 stars). 3 submissions from 3 submitters: Pathogenic (2); Likely pathogenic (1). Last evaluated 2025-09-08.

Conditions:
Heimler syndrome 1 (HMLR1). Also called: PEROXISOME BIOGENESIS DISORDER 1C. Identifiers: Orphanet 3220, MedGen C4551980, OMIM 234580, MONDO:0024544.
Zellweger spectrum disorders (ZS). Also called: Zellweger syndrome; Zellweger Spectrum Disorder (ZSD); Zellweger Spectrum Disorder; Zellweger Spectrum. Identifiers: Orphanet 912, MedGen C0043459, MONDO:0019609.

Submissions (3):

Natera, Inc.
Classification: Likely pathogenic for Zellweger syndrome. Last evaluated: 2025-09-08. Review status: criteria provided, single submitter. Criteria: Natera Variant Classification Schema (03/2026). Collection method: clinical testing. Allele origin: germline.
Comment: The c.56_57del variant in PEX1 is a frameshift variant predicted to shift the reading frame beginning at codon 19 and leads to a stop codon 48 codons downstream. This variant is expected to result in nonsense mediated decay, truncation, or a dysfunctional protein product. This variant is rare in the general population with a frequency below the threshold expected for the associated phenotype(s). Given the available evidence, this variant is classified as Likely Pathogenic.

Labcorp Genetics (formerly Invitae), Labcorp
Classification: Pathogenic for Zellweger spectrum disorders. Last evaluated: 2023-04-17. Review status: criteria provided, single submitter. Criteria: Invitae Variant Classification Sherloc (09022015). Collection method: clinical testing. Allele origin: germline.
Comment: For these reasons, this variant has been classified as Pathogenic. This premature translational stop signal has been observed in individual(s) with Zellweger syndrome (PMID: 21031596). This variant is not present in population databases (gnomAD no frequency). This sequence change creates a premature translational stop signal (p.Val19Glyfs*48) in the PEX1 gene. It is expected to result in an absent or disrupted protein product. Loss-of-function variants in PEX1 are known to be pathogenic (PMID: 9398847, 16086329, 16141001, 21031596, 26387595, 31831025).

Baylor Genetics
Classification: Pathogenic for Heimler syndrome 1. Last evaluated: 2023-03-18. Review status: criteria provided, single submitter. Criteria: ACMG Guidelines, 2015. Collection method: clinical testing. Allele origin: unknown.

Literature cited by the submitters: PubMed 21031596 (cited by Labcorp Genetics (formerly Invitae), Labcorp); PubMed 9398847 (cited by Labcorp Genetics (formerly Invitae), Labcorp); PubMed 16086329 (cited by Labcorp Genetics (formerly Invitae), Labcorp); PubMed 16141001 (cited by Labcorp Genetics (formerly Invitae), Labcorp); PubMed 26387595 (cited by Labcorp Genetics (formerly Invitae), Labcorp); PubMed 31831025 (cited by Labcorp Genetics (formerly Invitae), Labcorp).

NM_000466.3(PEX1):c.56_57del (p.Val19fs)

Genes: PEX1 (peroxisomal biogenesis factor 1; minus strand), LOC129998796 (ATAC-STARR-seq lymphoblastoid silent region 18372; plus strand). Cytogenetic location: 7q21.2.
Variant type: Microsatellite.
Coding change: c.56_57del on transcript NM_000466.3 (MANE Select); coding-DNA positions 56 to 57, 2 bases deleted (TG; older notation c.56_57delTG).
Protein change: p.Val19fs; shifts the reading frame from valine 19.
Molecular consequence: frameshift variant. On other transcripts: 5 prime UTR variant (1).
Genome position (GRCh38, 1-based): chr7:92,528,379-92,528,380, CA deleted on the plus strand (TG on the coding strand, the reverse complement: PEX1 is on the minus strand); deleting any 2 consecutive bases within chr7:92,528,379-92,528,382 gives the same sequence; the c. name uses the placement nearest the transcript's 3' end. VCF-style (leftmost placement, unchanged base first): chr7-92528378-CCA-C. GRCh37 (hg19) VCF-style: chr7-92157692-CCA-C.
Other names: c.56_57del (NM_000466.2); c.56_57del, p.Val19fs (NM_001282677.2); c.-606TG[1] (NM_001282678.2); short protein forms V19fs.
Identifiers: ClinVar variation 2677626 (VCV002677626.5), dbSNP rs2484725719, ClinGen allele CA2695199566.